The following is an entry in ClinVar:

NM_021969.3(NR0B2):c.629C>T (p.Ala210Val)

Genes: NR0B2 (nuclear receptor subfamily 0 group B member 2; minus strand), NUDC (nuclear distribution C, dynein complex regulator; plus strand). Cytogenetic location: 1p36.11.
Variant type: single nucleotide variant.
Coding change: c.629C>T on transcript NM_021969.3 (MANE Select); coding-DNA position 629, C replaced by T.
Protein change: p.Ala210Val; replaces alanine 210 with valine.
Molecular consequence: missense variant.
Genome position (GRCh38, 1-based): chr1:26,911,990, G>A on the plus strand (C>T on the coding strand, the complement: NR0B2 is on the minus strand). VCF-style: chr1-26911990-G-A. GRCh37 (hg19) VCF-style: chr1-27238481-G-A.
Other names: short protein forms A210V.
Identifiers: ClinVar variation 3358230 (VCV003358230.2).

ClinVar aggregate classification (germline): Uncertain significance. Review status: criteria provided, single submitter (1 of 4 stars). 2 submissions from 2 submitters: Uncertain significance (1). 1 of the submissions does not count toward it. Last evaluated 2025-08-29.

Conditions:
NR0B2-related disorder. Also called: NR0B2-related condition.

gnomAD v4.1: 30 of 1,614,120 alleles (0.0019%); highest among the groups gnomAD compares: African/African-American, 0.032%; no homozygotes.

Submissions (2):

Ambry Genetics
Classification: Uncertain significance. Last evaluated: 2025-08-29. Review status: criteria provided, single submitter. Criteria: Ambry Variant Classification Scheme 2023. Collection method: clinical testing. Allele origin: germline.

PreventionGenetics, part of Exact Sciences
Classification: Uncertain significance for NR0B2-related condition. Last evaluated: 2024-09-23. Review status: no assertion criteria provided. Collection method: clinical testing. Allele origin: germline. Not counted in ClinVar's aggregate classification.
Comment: The NR0B2 c.629C>T variant is predicted to result in the amino acid substitution p.Ala210Val. To our knowledge, this variant has not been reported in the literature. This variant is reported in 0.032% of alleles in individuals of African descent in gnomAD. At this time, the clinical significance of this variant is uncertain due to the absence of conclusive functional and genetic evidence.